The following is an entry in ClinVar:

NM_000059.4(BRCA2):c.4156G>T (p.Asp1386Tyr)

Gene: BRCA2 (BRCA2 DNA repair associated; plus strand). Cytogenetic location: 13q13.1.
Variant type: single nucleotide variant.
Coding change: c.4156G>T on transcript NM_000059.4 (MANE Select); coding-DNA position 4156, G replaced by T.
Protein change: p.Asp1386Tyr; replaces aspartic acid 1386 with tyrosine.
Molecular consequence: missense variant.
Genome position (GRCh38, 1-based): chr13:32,338,511, G>T. VCF-style: chr13-32338511-G-T. GRCh37 (hg19) VCF-style: chr13-32912648-G-T.
Other names: short protein forms D1386Y.
Identifiers: ClinVar variation 441506 (VCV000441506.17), dbSNP rs1555283600, ClinGen allele CA387780018.
Genomic context (GRCh38, chr13:32,338,511, plus strand): 5'-CTTAAATTATCTGGCCAGTTTATGAAGGAGGGAAACACTCAGATTAAAGAAGATTTGTCA[G>T]ATTTAACTTTTTTGGAAGTTGCGAAAGCTCAAGAAGCATGTCATGGTAATACTTCAAATA-3'
Protein context (NP_000050.3, residues 1376-1396): GNTQIKEDLS[Asp1386Tyr]LTFLEVAKAQ

ClinVar aggregate classification (germline): Conflicting classifications of pathogenicity. Review status: criteria provided, conflicting classifications (1 of 4 stars). 3 submissions from 3 submitters: Uncertain significance (2); Likely benign (1). Last evaluated 2024-05-06.

Conditions:
Hereditary cancer-predisposing syndrome. Also called: Hereditary Cancer Syndrome; Hereditary neoplastic syndrome; Neoplastic Syndromes, Hereditary; Tumor predisposition. Identifiers: Orphanet 140162, MedGen C0027672, MeSH D009386, MONDO:0015356.
Hereditary breast ovarian cancer syndrome. Also called: Hereditary breast and ovarian cancer; Breast and ovarian cancer; Hereditary breast and ovarian cancer syndrome; Hereditary breast and/or ovarian cancer syndrome; BRCA1- and BRCA2-Associated Hereditary Breast and Ovarian Cancer; Hereditary breast and ovarian cancer syndrome (HBOC). Identifiers: Orphanet 145, MedGen C0677776, MeSH D061325, MONDO:0003582. Disease mechanism: loss of function.

Submissions (3):

Ambry Genetics
Classification: Uncertain significance for Hereditary cancer-predisposing syndrome. Last evaluated: 2024-05-06. Review status: criteria provided, single submitter. Criteria: Ambry Variant Classification Scheme 2023. Collection method: clinical testing. Allele origin: germline.
Comment: The p.D1386Y variant (also known as c.4156G>T), located in coding exon 10 of the BRCA2 gene, results from a G to T substitution at nucleotide position 4156. The aspartic acid at codon 1386 is replaced by tyrosine, an amino acid with highly dissimilar properties. This amino acid position is well conserved in available vertebrate species. In addition, the in silico prediction for this alteration is inconclusive. Based on the available evidence, the clinical significance of this variant remains unclear.

University of Washington Department of Laboratory Medicine, University of Washington
Classification: Likely benign for Hereditary cancer-predisposing syndrome. Last evaluated: 2023-03-23. Review status: criteria provided, single submitter. Criteria: Dines et al. (Genet Med. 2020). Collection method: curation. Allele origin: germline.
Comment: Missense variant in a coldspot region where missense variants are very unlikely to be pathogenic (PMID:31911673).

BRCA2 exon 11 coldspot. Reclassification based on statistical prior probability.

Labcorp Genetics (formerly Invitae), Labcorp
Classification: Uncertain significance for Hereditary breast ovarian cancer syndrome. Last evaluated: 2022-11-26. Review status: criteria provided, single submitter. Criteria: Invitae Variant Classification Sherloc (09022015). Collection method: clinical testing. Allele origin: germline.
Comment: In summary, the available evidence is currently insufficient to determine the role of this variant in disease. Therefore, it has been classified as a Variant of Uncertain Significance. Advanced modeling of protein sequence and biophysical properties (such as structural, functional, and spatial information, amino acid conservation, physicochemical variation, residue mobility, and thermodynamic stability) performed at Invitae indicates that this missense variant is not expected to disrupt BRCA2 protein function. ClinVar contains an entry for this variant (Variation ID: 441506). This variant has not been reported in the literature in individuals affected with BRCA2-related conditions. This variant is not present in population databases (gnomAD no frequency). This sequence change replaces aspartic acid, which is acidic and polar, with tyrosine, which is neutral and polar, at codon 1386 of the BRCA2 protein (p.Asp1386Tyr).